The following is an entry in ClinVar:

ClinVar aggregate classification (germline): Uncertain significance (1 of 4 stars; one submission).

Conditions:
Charcot-Marie-Tooth disease type 4. Also called: Charcot-Marie-Tooth disease, type IV; Charcot-Marie-Tooth, Type 4. Identifiers: Orphanet 64749, MedGen C4082197, MONDO:0018995.

Submission:

Labcorp Genetics (formerly Invitae), Labcorp
Classification: Uncertain significance for Charcot-Marie-Tooth disease type 4. Last evaluated: 2022-03-20. Review status: criteria provided, single submitter. Criteria: Invitae Variant Classification Sherloc (09022015). Collection method: clinical testing. Allele origin: germline.
Comment: This variant has not been reported in the literature in individuals affected with FIG4-related conditions. This variant is not present in population databases (gnomAD no frequency). This sequence change falls in intron 9 of the FIG4 gene. It does not directly change the encoded amino acid sequence of the FIG4 protein. It affects a nucleotide within the consensus splice site. Variants that disrupt the consensus splice site are a relatively common cause of aberrant splicing (PMID: 17576681, 9536098). Algorithms developed to predict the effect of sequence changes on RNA splicing suggest that this variant may disrupt the consensus splice site. In summary, the available evidence is currently insufficient to determine the role of this variant in disease. Therefore, it has been classified as a Variant of Uncertain Significance.

Literature cited by the submitters: PubMed 17576681; PubMed 9536098.

NM_014845.6(FIG4):c.1039+5G>T

Gene: FIG4 (FIG4 phosphoinositide 5-phosphatase; plus strand). Cytogenetic location: 6q21.
Variant type: single nucleotide variant.
Coding change: c.1039+5G>T on transcript NM_014845.6 (MANE Select); 5 bases into the intron after coding-DNA position 1039, G replaced by T.
Molecular consequence: intron variant.
Genome position (GRCh38, 1-based): chr6:109,743,277, G>T. VCF-style: chr6-109743277-G-T. GRCh37 (hg19) VCF-style: chr6-110064480-G-T.
Identifiers: ClinVar variation 2110556 (VCV002110556.4), dbSNP rs2486136416, ClinGen allele CA2580074751.